The following is an entry in ClinVar:

ClinVar aggregate classification (germline): Pathogenic (1 of 4 stars; one submission).

Submission:

Labcorp Genetics (formerly Invitae), Labcorp
Classification: Pathogenic. Last evaluated: 2025-03-31. Review status: criteria provided, single submitter. Criteria: Invitae Variant Classification Sherloc (09022015). Collection method: clinical testing. Allele origin: germline.
Comment: This sequence change creates a premature translational stop signal (p.Phe221Serfs*42) in the RHO gene. It is expected to result in an absent or disrupted protein product. Loss-of-function variants in RHO are known to be pathogenic (PMID: 1303237, 21174529). This variant is not present in population databases (gnomAD no frequency). This variant has not been reported in the literature in individuals affected with RHO-related conditions. For these reasons, this variant has been classified as Pathogenic.

Literature cited by the submitters: PubMed 1303237; PubMed 21174529.

NM_000539.3(RHO):c.662del (p.Phe221fs)

Gene: RHO (rhodopsin; plus strand). Cytogenetic location: 3q22.1.
Variant type: Deletion.
Coding change: c.662del on transcript NM_000539.3 (MANE Select); coding-DNA position 662, one base deleted (T; older notation c.662delT).
Protein change: p.Phe221fs; shifts the reading frame from phenylalanine 221.
Molecular consequence: frameshift variant.
Genome position (GRCh38, 1-based): chr3:129,532,382, T deleted; the last of 5 consecutive T bases (chr3:129,532,378-129,532,382); deleting any one gives the same sequence. VCF-style (leftmost placement, unchanged base first): chr3-129532377-CT-C. GRCh37 (hg19) VCF-style: chr3-129251220-CT-C.
Other names: short protein forms F221fs.
Identifiers: ClinVar variation 4710604 (VCV004710604.1).